The following is an entry in ClinVar:

NM_000169.3(GLA):c.167_172del (p.Cys56_Glu58delinsTer)

Genes: GLA (galactosidase alpha; minus strand), RPL36A-HNRNPH2 (RPL36A-HNRNPH2 readthrough; plus strand). Cytogenetic location: Xq22.1.
Variant type: Deletion.
Coding change: c.167_172del on transcript NM_000169.3 (MANE Select); coding-DNA positions 167 to 172, 6 bases deleted (GCCAGG; older notation c.167_172delGCCAGG).
Protein change: p.Cys56_Glu58delinsTer.
Molecular consequence: nonsense. On other transcripts: non-coding transcript variant (3), intron variant (2).
Genome position (GRCh38, 1-based): chrX:101,407,732-101,407,737, CCTGGC deleted on the plus strand (GCCAGG on the coding strand, the reverse complement: GLA is on the minus strand). VCF-style (leftmost placement, unchanged base first): chrX-101407731-TCCTGGC-T. GRCh37 (hg19) VCF-style: chrX-100662719-TCCTGGC-T.
Other names: c.167_172del, p.Cys56_Glu58delinsTer (NM_001406747.1, NM_001406748.1, NM_001406749.1); c.301-4204_301-4199del (NM_001199973.2); c.178-4204_178-4199del (NM_001199974.2).
Identifiers: ClinVar variation 4087141 (VCV004087141.2).

ClinVar aggregate classification (germline): Pathogenic (1 of 4 stars; one submission).

Conditions:
Fabry disease. Also called: ALPHA-GALACTOSIDASE A DEFICIENCY; ANDERSON-FABRY DISEASE; CERAMIDE TRIHEXOSIDASE DEFICIENCY; GLA DEFICIENCY; HEREDITARY DYSTOPIC LIPIDOSIS; Angiokeratoma corporis diffusum. Identifiers: Orphanet 324, MedGen C0002986, MONDO:0010526, OMIM 301500, HP:0001071. Disease mechanism: Fabry disease is due to inactivating mutations in the X-linked GLA gene resulting in deficiency of the enzyme Alpha Galactosidase-A., loss of function.

Submission:

Genomenon, Inc
Classification: Pathogenic for Fabry disease. Last evaluated: 2026-09-08. Review status: criteria provided, single submitter. Criteria: Genomenon Sequence Variant Interpretation Standards - Updated. Collection method: curation. Allele origin: germline. Affected: yes.
Comment: GLA p.Cys56Ter (c.167_172del) is a nonsense variant that introduces a premature stop codon at amino acid position 56 and is predicted to result in a truncated or absent protein product. This variant has been observed in at least one proband with clinical features consistent with Fabry disease (PMID:30386727). It is absent or not present at a significant frequency in gnomAD. In conclusion, we classify GLA p.Cys56Ter (c.167_172del) as a pathogenic variant.

Literature cited by the submitters: PubMed 30386727.